The following is an entry in ClinVar:

NM_005591.4(MRE11):c.1586T>G (p.Leu529Arg)

Gene: MRE11 (MRE11 double strand break repair nuclease; minus strand). Cytogenetic location: 11q21.
Variant type: single nucleotide variant.
Coding change: c.1586T>G on transcript NM_005591.4 (MANE Select); coding-DNA position 1586, T replaced by G.
Protein change: p.Leu529Arg; replaces leucine 529 with arginine.
Molecular consequence: missense variant.
Genome position (GRCh38, 1-based): chr11:94,447,416, A>C on the plus strand (T>G on the coding strand, the complement: MRE11 is on the minus strand). VCF-style: chr11-94447416-A-C. GRCh37 (hg19) VCF-style: chr11-94180582-A-C.
Other names: c.1586T>G, p.Leu529Arg (NM_001330347.2, NM_005590.4); short protein forms L529R.
Identifiers: ClinVar variation 185715 (VCV000185715.5), dbSNP rs786202400, ClinGen allele CA192709.

ClinVar aggregate classification (germline): Uncertain significance (1 of 4 stars; one submission).

Conditions:
Hereditary cancer-predisposing syndrome. Also called: Hereditary neoplastic syndrome; Neoplastic Syndromes, Hereditary; Tumor predisposition; Hereditary Cancer Syndrome. Identifiers: Orphanet 140162, MedGen C0027672, MeSH D009386, MONDO:0015356.

Allele frequency attached by ClinVar (database versions not stated): gnomAD exomes below 0.00001.
gnomAD v4.1: 1 of 1,614,184 alleles (0.000062%); highest among the groups gnomAD compares: Non-Finnish European, 0.000085%; no homozygotes.

Submission:

Ambry Genetics
Classification: Uncertain significance for Hereditary cancer-predisposing syndrome. Last evaluated: 2014-07-29. Review status: criteria provided, single submitter. Criteria: Ambry Variant Classification Scheme 2023. Collection method: clinical testing. Allele origin: germline.
Comment: The p.L529R variant (also known as c.1586T>G), located in coding exon 14 of the MRE11A gene, results from a T to G substitution at nucleotide position 1586. The leucine at codon 529 is replaced by arginine, an amino acid with dissimilar properties. This variant was not reported in population based cohorts in the following databases: Database of Single Nucleotide Polymorphisms (dbSNP), NHLBI Exome Sequencing Project (ESP), and 1000 Genomes Project. In the ESP, this variant was not observed in 6499 samples (12998 alleles) with coverage at this position. To date, this alteration has been detected with an allele frequency of approximately 0.005% (greater than 22,000 alleles tested) in our clinical cohort. Based on protein sequence alignment, this amino acid position is well conserved through shrew but not in lower vertebrate species. In addition, this alteration is predicted to be benign and tolerated by PolyPhen and SIFT in silico analyses, respectively. Since supporting evidence is limited at this time, the clinical significance of p.L529R remains unclear.